The following is an entry in ClinVar:

ClinVar aggregate classification (germline): Uncertain significance (1 of 4 stars; one submission).

Submission:

Labcorp Genetics (formerly Invitae), Labcorp
Classification: Uncertain significance. Last evaluated: 2022-03-31. Review status: criteria provided, single submitter. Criteria: Invitae Variant Classification Sherloc (09022015). Collection method: clinical testing. Allele origin: germline.
Comment: This sequence change replaces aspartic acid, which is acidic and polar, with glutamic acid, which is acidic and polar, at codon 1961 of the LRRK1 protein (p.Asp1961Glu). This variant is not present in population databases (gnomAD no frequency). This variant has not been reported in the literature in individuals affected with LRRK1-related conditions. Algorithms developed to predict the effect of missense changes on protein structure and function output the following: SIFT: "Tolerated"; PolyPhen-2: "Benign"; Align-GVGD: "Class C0". The glutamic acid amino acid residue is found in multiple mammalian species, which suggests that this missense change does not adversely affect protein function. In summary, the available evidence is currently insufficient to determine the role of this variant in disease. Therefore, it has been classified as a Variant of Uncertain Significance.

NM_024652.6(LRRK1):c.5883T>A (p.Asp1961Glu)

Genes: LRRK1 (leucine rich repeat kinase 1; plus strand), LRRK1-AS1 (LRRK1 antisense RNA 1; minus strand). Cytogenetic location: 15q26.3.
Variant type: single nucleotide variant.
Coding change: c.5883T>A on transcript NM_024652.6 (MANE Select); coding-DNA position 5883, T replaced by A.
Protein change: p.Asp1961Glu; replaces aspartic acid 1961 with glutamic acid.
Molecular consequence: missense variant.
Genome position (GRCh38, 1-based): chr15:101,068,683, T>A. VCF-style: chr15-101068683-T-A. GRCh37 (hg19) VCF-style: chr15-101608888-T-A.
Other names: short protein forms D1961E.
Identifiers: ClinVar variation 2119947 (VCV002119947.4), dbSNP rs2505533357, ClinGen allele CA393964365.